The following is an entry in ClinVar:

NM_006282.5(STK4):c.721C>T (p.Pro241Ser)

Gene: STK4 (serine/threonine kinase 4; plus strand). Cytogenetic location: 20q13.12.
Variant type: single nucleotide variant.
Coding change: c.721C>T on transcript NM_006282.5 (MANE Select); coding-DNA position 721, C replaced by T.
Protein change: p.Pro241Ser; replaces proline 241 with serine.
Molecular consequence: missense variant.
Genome position (GRCh38, 1-based): chr20:44,997,196, C>T. VCF-style: chr20-44997196-C-T. GRCh37 (hg19) VCF-style: chr20-43625837-C-T.
Other names: c.721C>T, p.Pro241Ser (NM_001352385.2); short protein forms P241S.
Identifiers: ClinVar variation 540523 (VCV000540523.9), dbSNP rs371236375, ClinGen allele CA9873867.

ClinVar aggregate classification (germline): Uncertain significance (1 of 4 stars; one submission).

Conditions:
Combined immunodeficiency due to STK4 deficiency (IMD110). Also called: T-cell immunodeficiency, recurrent infections, and autoimmunity with or without cardiac malformations; STK4 DEFICIENCY; MST1 DEFICIENCY. Identifiers: Orphanet 314689, MedGen C3553943, MONDO:0013934, OMIM 614868.

Allele frequency attached by ClinVar (database versions not stated): TOPMed 0.00007; ESP Exome Variant Server 0.00008; gnomAD 0.00006 and 0.00007; 1000 Genomes Project 0.00080; 1000 Genomes Project 30x 0.00094; gnomAD exomes 0.00003; ExAC 0.00005.

Submission:

Labcorp Genetics (formerly Invitae), Labcorp
Classification: Uncertain significance for Combined immunodeficiency due to STK4 deficiency. Last evaluated: 2022-01-15. Review status: criteria provided, single submitter. Criteria: Invitae Variant Classification Sherloc (09022015). Collection method: clinical testing. Allele origin: germline.
Comment: In summary, the available evidence is currently insufficient to determine the role of this variant in disease. Therefore, it has been classified as a Variant of Uncertain Significance. Advanced modeling of protein sequence and biophysical properties (such as structural, functional, and spatial information, amino acid conservation, physicochemical variation, residue mobility, and thermodynamic stability) performed at Invitae indicates that this missense variant is not expected to disrupt STK4 protein function. ClinVar contains an entry for this variant (Variation ID: 540523). This variant has not been reported in the literature in individuals affected with STK4-related conditions. This variant is present in population databases (rs371236375, gnomAD 0.03%). This sequence change replaces proline, which is neutral and non-polar, with serine, which is neutral and polar, at codon 241 of the STK4 protein (p.Pro241Ser).